The following is an entry in ClinVar:

NM_004380.3(CREBBP):c.271G>T (p.Ala91Ser)

Gene: CREBBP (CREB binding lysine acetyltransferase; minus strand). Cytogenetic location: 16p13.3.
Variant type: single nucleotide variant.
Coding change: c.271G>T on transcript NM_004380.3 (MANE Select); coding-DNA position 271, G replaced by T.
Protein change: p.Ala91Ser; replaces alanine 91 with serine.
Molecular consequence: missense variant.
Genome position (GRCh38, 1-based): chr16:3,850,824, C>A on the plus strand (G>T on the coding strand, the complement: CREBBP is on the minus strand). VCF-style: chr16-3850824-C-A. GRCh37 (hg19) VCF-style: chr16-3900825-C-A.
Other names: c.271G>T, p.Ala91Ser (NM_001079846.1); short protein forms A91S.
Identifiers: ClinVar variation 546767 (VCV000546767.50), dbSNP rs200673670, ClinGen allele CA7870710.
Genomic context (GRCh38, chr16:3,850,824, plus strand): 5'-TAGCACTGTTCGGCTGCCCTTGAGCCTGGCCACCCAGGCCCTGCTGCACGGGGCTGCTGG[C>A]GCTCACATTTCCTATTCCTGGGTTGATACTAGAGCCGCTGCCTCCTCGTAGAAGCTCCGA-3'
Protein context (NP_004371.2, residues 81-101): SINPGIGNVS[Ala91Ser]SSPVQQGLGG

ClinVar aggregate classification (germline): Conflicting classifications of pathogenicity. Review status: criteria provided, conflicting classifications (1 of 4 stars). 4 submissions from 4 submitters: Uncertain significance (1); Likely benign (3). Last evaluated 2025-06-29.

Conditions:
Rubinstein-Taybi syndrome (RSTS). Identifiers: Orphanet 783, MedGen C0035934, MONDO:0019188.
CREBBP-related disorder. Also called: CREBBP-related disorders; CREBBP-related condition.
Rubinstein-Taybi syndrome due to CREBBP mutations (RSTS1). Also called: RUBINSTEIN-TAYBI SYNDROME 1, INCOMPLETE; RUBINSTEIN SYNDROME; Rubinstein-Taybi syndrome 1; CREBBP-Related Rubinstein-Taybi Syndrome; BROAD THUMBS AND GREAT TOES, CHARACTERISTIC FACIES, AND IMPAIRED INTELLECTUAL DEVELOPMENT; BROAD THUMB-HALLUX SYNDROME. Identifiers: Orphanet 353277, Orphanet 783, MedGen C4551859, MONDO:0008393, OMIM 180849.

Allele frequency attached by ClinVar (database versions not stated): gnomAD exomes 0.00003; TOPMed 0.00003; ExAC 0.00004.
gnomAD v4.1: 34 of 1,613,974 alleles (0.0021%); highest among the groups gnomAD compares: Middle Eastern, 0.12%; no homozygotes.

Submissions (4):

Labcorp Genetics (formerly Invitae), Labcorp
Classification: Likely benign for Rubinstein-Taybi syndrome. Last evaluated: 2025-06-29. Review status: criteria provided, single submitter. Criteria: Invitae Variant Classification Sherloc (09022015). Collection method: clinical testing. Allele origin: germline.

PreventionGenetics, part of Exact Sciences
Classification: Likely benign for CREBBP-related condition. Last evaluated: 2025-03-25. Review status: criteria provided, single submitter. Criteria: ACMG Guidelines, 2015. Collection method: clinical testing. Allele origin: germline.
Comment: This variant is classified as likely benign based on ACMG/AMP sequence variant interpretation guidelines (Richards et al. 2015 PMID: 25741868, with internal and published modifications).

Centre for Mendelian Genomics, University Medical Centre Ljubljana
Classification: Likely benign for Rubinstein-Taybi syndrome due to CREBBP mutations. Last evaluated: 2019-08-23. Review status: criteria provided, single submitter. Criteria: ACMG Guidelines, 2015. Collection method: clinical testing. Allele origin: unknown. Affected: yes.
Comment: This variant was classified as: Likely benign. The following ACMG criteria were applied in classifying this variant: BS2,BP1,BP4.

CeGaT Center for Human Genetics Tuebingen
Classification: Uncertain significance. Last evaluated: 2018-01-01. Review status: criteria provided, single submitter. Criteria: CeGaT Center For Human Genetics Tuebingen Variant Classification Criteria Version 2. Collection method: clinical testing. Allele origin: germline. Affected: yes. Observed: 1 variant allele.